The following is an entry in ClinVar:

NM_016824.5(ADD3):c.21A>C (p.Gln7His)

Gene: ADD3 (adducin 3; plus strand). Cytogenetic location: 10q25.2.
Variant type: single nucleotide variant.
Coding change: c.21A>C on transcript NM_016824.5 (MANE Select); coding-DNA position 21, A replaced by C.
Protein change: p.Gln7His; replaces glutamine 7 with histidine.
Molecular consequence: missense variant. On other transcripts: 5 prime UTR variant (1).
Genome position (GRCh38, 1-based): chr10:110,100,674, A>C. VCF-style: chr10-110100674-A-C. GRCh37 (hg19) VCF-style: chr10-111860432-A-C.
Other names: c.21A>C, p.Gln7His (NM_001121.4, NM_001320591.2, NM_001320592.2 and 2 more transcripts); c.-268A>C (NM_001320594.2); short protein forms Q7H.
Identifiers: ClinVar variation 2081001 (VCV002081001.4), dbSNP rs2495510354, ClinGen allele CA378365647.
Genomic context (GRCh38, chr10:110,100,674, plus strand): 5'-TATTAATGCAGATAACAAGAGTAATCCACAGACTTAAAACATGAGCTCAGATGCCAGCCA[A>C]GGCGTGATTACCACTCCTCCTCCTCCCAGCATGCCTCACAAAGAGAGATATTTTGACCGC-3'
Protein context (NP_058432.1, residues 1-17): MSSDAS[Gln7His]GVITTPPPPS

ClinVar aggregate classification (germline): Uncertain significance (1 of 4 stars; one submission).

Submission:

Labcorp Genetics (formerly Invitae), Labcorp
Classification: Uncertain significance. Last evaluated: 2022-07-06. Review status: criteria provided, single submitter. Criteria: Invitae Variant Classification Sherloc (09022015). Collection method: clinical testing. Allele origin: germline.
Comment: This variant has not been reported in the literature in individuals affected with ADD3-related conditions. This sequence change replaces glutamine, which is neutral and polar, with histidine, which is basic and polar, at codon 7 of the ADD3 protein (p.Gln7His). This variant is not present in population databases (gnomAD no frequency). Algorithms developed to predict the effect of missense changes on protein structure and function are either unavailable or do not agree on the potential impact of this missense change (SIFT: "Not Available"; PolyPhen-2: "Benign"; Align-GVGD: "Not Available"). In summary, the available evidence is currently insufficient to determine the role of this variant in disease. Therefore, it has been classified as a Variant of Uncertain Significance.